The following is an entry in ClinVar:

ClinVar aggregate classification (germline): Uncertain significance (1 of 4 stars; one submission).

Submission:

GeneDx
Classification: Uncertain significance. Last evaluated: 2024-01-09. Review status: criteria provided, single submitter. Criteria: GeneDx Variant Classification Process June 2021. Collection method: clinical testing. Allele origin: germline. Affected: yes.
Comment: Not observed at significant frequency in large population cohorts (gnomAD); In silico analysis supports that this missense variant has a deleterious effect on protein structure/function; Has not been previously published as pathogenic or benign to our knowledge

NM_003283.6(TNNT1):c.259G>A (p.Glu87Lys)

Gene: TNNT1 (troponin T1, slow skeletal type; minus strand). Cytogenetic location: 19q13.42.
Variant type: single nucleotide variant.
Coding change: c.259G>A on transcript NM_003283.6 (MANE Select); coding-DNA position 259, G replaced by A.
Protein change: p.Glu87Lys; replaces glutamic acid 87 with lysine.
Molecular consequence: missense variant.
Genome position (GRCh38, 1-based): chr19:55,141,236, C>T on the plus strand (G>A on the coding strand, the complement: TNNT1 is on the minus strand). VCF-style: chr19-55141236-C-T. GRCh37 (hg19) VCF-style: chr19-55652604-C-T.
Other names: c.259G>A, p.Glu87Lys (NM_001126132.3); c.226G>A, p.Glu76Lys (NM_001126133.3, NM_001291774.2); short protein forms E76K, E87K.
Identifiers: ClinVar variation 3367351 (VCV003367351.1).